The following is an entry in ClinVar:

ClinVar aggregate classification (germline): Uncertain significance (1 of 4 stars; one submission).

Conditions:
Inborn genetic diseases. Identifiers: MedGen C0950123, MeSH D030342.

Allele frequency attached by ClinVar (database versions not stated): gnomAD exomes below 0.00001.
gnomAD v4.1: 4 of 1,612,336 alleles (0.00025%); highest among the groups gnomAD compares: Non-Finnish European, 0.00034%; no homozygotes.

Submission:

Ambry Genetics
Classification: Uncertain significance for Inborn genetic diseases. Last evaluated: 2022-10-31. Review status: criteria provided, single submitter. Criteria: Ambry Variant Classification Scheme 2023. Collection method: clinical testing. Allele origin: germline.
Comment: The p.I693M variant (also known as c.2079A>G) is located in coding exon 10 of the ATR gene. The isoleucine at codon 693 is replaced by methionine, an amino acid with highly similar properties. This change occurs in the first base pair of coding exon 10. This amino acid position is conserved. In addition, this alteration is predicted to be tolerated by in silico analysis. Since supporting evidence is limited at this time, the clinical significance of this alteration remains unclear.

NM_001184.4(ATR):c.2079A>G (p.Ile693Met)

Gene: ATR (ATR checkpoint kinase; minus strand). Cytogenetic location: 3q23.
Variant type: single nucleotide variant.
Coding change: c.2079A>G on transcript NM_001184.4 (MANE Select); coding-DNA position 2079, A replaced by G.
Protein change: p.Ile693Met; replaces isoleucine 693 with methionine.
Molecular consequence: missense variant.
Genome position (GRCh38, 1-based): chr3:142,556,139, T>C on the plus strand (A>G on the coding strand, the complement: ATR is on the minus strand). VCF-style: chr3-142556139-T-C. GRCh37 (hg19) VCF-style: chr3-142274981-T-C.
Other names: c.1887A>G, p.Ile629Met (NM_001354579.2); short protein forms I629M, I693M.
Identifiers: ClinVar variation 1785504 (VCV001785504.3), dbSNP rs2108471965, ClinGen allele CA354819047.